The following is an entry in ClinVar:

ClinVar aggregate classification (germline): Likely pathogenic. Review status: criteria provided, multiple submitters, no conflicts (2 of 4 stars). 2 submissions from 2 submitters: Likely pathogenic (2). Last evaluated 2024-04-17.

Conditions:
Congenital myotonia, autosomal recessive form. Also called: Becker Generalized Myotonia; BECKER DISEASE; myotonia congenita, autosomal recessive. Identifiers: Orphanet 614, MedGen C0751360, MONDO:0009715, OMIM 255700.
Congenital myotonia, autosomal dominant form (THD). Also called: THOMSEN DISEASE; Myotonia congenita autosomal dominant. Identifiers: Orphanet 614, MedGen C2936781, MONDO:0008055, OMIM 160800.

Allele frequency attached by ClinVar (database versions not stated): gnomAD exomes below 0.00001; ExAC 0.00001; gnomAD 0.00001.

Submissions (2):

Fulgent Genetics
Classification: Likely pathogenic for Congenital myotonia, autosomal dominant form; Congenital myotonia, autosomal recessive form. Last evaluated: 2024-04-17. Review status: criteria provided, single submitter. Criteria: ACMG Guidelines, 2015. Collection method: clinical testing. Allele origin: germline.

Labcorp Genetics (formerly Invitae), Labcorp
Classification: Likely pathogenic for Congenital myotonia, autosomal recessive form; Congenital myotonia, autosomal dominant form. Last evaluated: 2024-02-06. Review status: criteria provided, single submitter. Criteria: Invitae Variant Classification Sherloc (09022015). Collection method: clinical testing. Allele origin: germline.
Comment: This sequence change replaces glutamic acid, which is acidic and polar, with aspartic acid, which is acidic and polar, at codon 724 of the CLCN1 protein (p.Glu724Asp). This variant also falls at the last nucleotide of exon 17, which is part of the consensus splice site for this exon. The frequency data for this variant in the population databases is considered unreliable, as metrics indicate poor data quality at this position in the gnomAD database. This missense change has been observed in individual(s) with clinical features of autosomal recessive myotonia congenita (Invitae). In at least one individual the data is consistent with being in trans (on the opposite chromosome) from a pathogenic variant. ClinVar contains an entry for this variant (Variation ID: 1482531). An algorithm developed to predict the effect of missense changes on protein structure and function (PolyPhen-2) suggests that this variant is likely to be tolerated. Variants that disrupt the consensus splice site are a relatively common cause of aberrant splicing (PMID: 17576681, 9536098). Algorithms developed to predict the effect of sequence changes on RNA splicing suggest that this variant may disrupt the consensus splice site. In summary, the currently available evidence indicates that the variant is pathogenic, but additional data are needed to prove that conclusively. Therefore, this variant has been classified as Likely Pathogenic.

Literature cited by the submitters: PubMed 17576681 (cited by Labcorp Genetics (formerly Invitae), Labcorp); PubMed 9536098 (cited by Labcorp Genetics (formerly Invitae), Labcorp).

NM_000083.3(CLCN1):c.2172G>T (p.Glu724Asp)

Gene: CLCN1 (chloride voltage-gated channel 1; plus strand). Cytogenetic location: 7q34.
Variant type: single nucleotide variant.
Coding change: c.2172G>T on transcript NM_000083.3 (MANE Select); coding-DNA position 2172, G replaced by T.
Protein change: p.Glu724Asp; replaces glutamic acid 724 with aspartic acid.
Molecular consequence: missense variant. On other transcripts: non-coding transcript variant (1).
Genome position (GRCh38, 1-based): chr7:143,345,762, G>T. VCF-style: chr7-143345762-G-T. GRCh37 (hg19) VCF-style: chr7-143042855-G-T.
Other names: short protein forms E724D.
Identifiers: ClinVar variation 1482531 (VCV001482531.9), dbSNP rs753308829, ClinGen allele CA4537560.